The following is an entry in ClinVar:

NM_003482.4(KMT2D):c.8316C>T (p.Leu2772=)

Gene: KMT2D (lysine methyltransferase 2D; minus strand). Cytogenetic location: 12q13.12.
Variant type: single nucleotide variant.
Coding change: c.8316C>T on transcript NM_003482.4 (MANE Select); coding-DNA position 8316, C replaced by T.
Protein change: p.Leu2772=; no amino-acid change (leucine 2772 retained).
Molecular consequence: synonymous variant.
Genome position (GRCh38, 1-based): chr12:49,039,272, G>A on the plus strand (C>T on the coding strand, the complement: KMT2D is on the minus strand). VCF-style: chr12-49039272-G-A. GRCh37 (hg19) VCF-style: chr12-49433055-G-A.
Identifiers: ClinVar variation 2909011 (VCV002909011.4), dbSNP rs1213961841, ClinGen allele CA479710592.
Genomic context (GRCh38, chr12:49,039,272, plus strand): 5'-GGAGCCTCACCGGCTGTTCACATCCATAGAGGAAGGCGTGGCTGGTGGAGGTGGCCGGGA[G>A]AGTCGGTCATCGCTAGGGAAGGACCCTGGCCCCAGGATGGGGCCACTCAGCTTGCTTGGG-3'
Protein context (NP_003473.3, residues 2762-2782): GPGSFPSDDR[Leu2772=]SRPPPPATPS

ClinVar aggregate classification (germline): Benign/Likely benign. Review status: criteria provided, multiple submitters, no conflicts (2 of 4 stars). 2 submissions from 2 submitters: Benign (1); Likely benign (1). Last evaluated 2026-01-09.

Conditions:
Kabuki syndrome. Also called: Kabuki make-up syndrome; NIIKAWA-KUROKI SYNDROME. Identifiers: Orphanet 2322, MedGen C0796004, MONDO:0016512.
KMT2D-related disorder. Also called: KMT2D-Related Disorders.

Allele frequency attached by ClinVar (database versions not stated): TOPMed below 0.00001; gnomAD 0.00001; gnomAD exomes 0.00001.
gnomAD v4.1: 8 of 1,613,534 alleles (0.0005%); highest among the groups gnomAD compares: Middle Eastern, 0.066%; no homozygotes.

Submissions (2):

Labcorp Genetics (formerly Invitae), Labcorp
Classification: Benign for Kabuki syndrome. Last evaluated: 2026-01-09. Review status: criteria provided, single submitter. Criteria: Invitae Variant Classification Sherloc (09022015). Collection method: clinical testing. Allele origin: germline.

PreventionGenetics, part of Exact Sciences
Classification: Likely benign for KMT2D-related condition. Last evaluated: 2024-12-20. Review status: criteria provided, single submitter. Criteria: ACMG Guidelines, 2015. Collection method: clinical testing. Allele origin: germline.
Comment: This variant is classified as likely benign based on ACMG/AMP sequence variant interpretation guidelines (Richards et al. 2015 PMID: 25741868, with internal and published modifications).